The following is an entry in ClinVar:

NM_000883.4(IMPDH1):c.902A>G (p.Asp301Gly)

Gene: IMPDH1 (inosine monophosphate dehydrogenase 1; minus strand). Cytogenetic location: 7q32.1.
Variant type: single nucleotide variant.
Coding change: c.902A>G on transcript NM_000883.4 (MANE Select); coding-DNA position 902, A replaced by G.
Protein change: p.Asp301Gly; replaces aspartic acid 301 with glycine.
Molecular consequence: missense variant.
Genome position (GRCh38, 1-based): chr7:128,398,586, T>C on the plus strand (A>G on the coding strand, the complement: IMPDH1 is on the minus strand). VCF-style: chr7-128398586-T-C. GRCh37 (hg19) VCF-style: chr7-128038640-T-C.
Other names: c.872A>G, p.Asp291Gly (NM_001102605.2); c.647A>G, p.Asp216Gly (NM_001142573.2); c.632A>G, p.Asp211Gly (NM_001142574.2); c.572A>G, p.Asp191Gly (NM_001142575.2); c.803A>G, p.Asp268Gly (NM_001142576.2); c.695A>G, p.Asp232Gly (NM_001304521.2); c.794A>G, p.Asp265Gly (NM_183243.3); short protein forms D265G, D191G, D216G, D291G, D211G, D232G, D268G, D301G.
Identifiers: ClinVar variation 1380019 (VCV001380019.6), dbSNP rs2116640368, ClinGen allele CA369169685.

ClinVar aggregate classification (germline): Uncertain significance (1 of 4 stars; one submission).

Submission:

Labcorp Genetics (formerly Invitae), Labcorp
Classification: Uncertain significance. Last evaluated: 2021-11-14. Review status: criteria provided, single submitter. Criteria: Invitae Variant Classification Sherloc (09022015). Collection method: clinical testing. Allele origin: germline.
Comment: In summary, the available evidence is currently insufficient to determine the role of this variant in disease. Therefore, it has been classified as a Variant of Uncertain Significance. Algorithms developed to predict the effect of sequence changes on RNA splicing suggest that this variant may create or strengthen a splice site. Algorithms developed to predict the effect of missense changes on protein structure and function (SIFT, PolyPhen-2, Align-GVGD) all suggest that this variant is likely to be tolerated. This variant has not been reported in the literature in individuals affected with IMPDH1-related conditions. This variant is not present in population databases (gnomAD no frequency). This sequence change replaces aspartic acid, which is acidic and polar, with glycine, which is neutral and non-polar, at codon 301 of the IMPDH1 protein (p.Asp301Gly).